The following is an entry in ClinVar:

ClinVar aggregate classification (germline): Conflicting classifications of pathogenicity. Review status: criteria provided, conflicting classifications (1 of 4 stars). 2 submissions from 2 submitters: Uncertain significance (1); Benign (1). Last evaluated 2025-02-11.

Conditions:
Familial cancer of breast. Also called: BREAST CANCER, FAMILIAL; hereditary breast carcinoma; Hereditary breast cancer. Identifiers: Orphanet 227535, MedGen C0346153, MONDO:0016419, OMIM 114480. Disease mechanism: loss of function.
Ataxia-telangiectasia syndrome (AT). Also called: LOUIS-BAR SYNDROME; Cerebello-oculocutaneous telangiectasia; Immunodeficiency with ataxia telangiectasia; AT, COMPLEMENTATION GROUP C; Ataxia-telangiectasia, complementation group D; ATAXIA-TELANGIECTASIA, COMPLEMENTATION GROUP A. Identifiers: Orphanet 100, MedGen C0004135, MONDO:0008840, OMIM 208900.

Submissions (2):

Labcorp Genetics (formerly Invitae), Labcorp
Classification: Uncertain significance for Ataxia-telangiectasia syndrome. Last evaluated: 2025-02-11. Review status: criteria provided, single submitter. Criteria: Invitae Variant Classification Sherloc (09022015). Collection method: clinical testing. Allele origin: germline.
Comment: This sequence change affects codon 1642 of the ATM mRNA. It is a 'silent' change, meaning that it does not change the encoded amino acid sequence of the ATM protein. This variant is not present in population databases (gnomAD no frequency). This variant has not been reported in the literature in individuals affected with ATM-related conditions. ClinVar contains an entry for this variant (Variation ID: 3253903). Algorithms developed to predict the effect of sequence changes on RNA splicing suggest that this variant may disrupt the consensus splice site. In summary, the available evidence is currently insufficient to determine the role of this variant in disease. Therefore, it has been classified as a Variant of Uncertain Significance.

Myriad Genetics, Inc.
Classification: Benign for Familial cancer of breast. Last evaluated: 2024-05-21. Review status: criteria provided, single submitter. Criteria: Myriad Autosomal Dominant, Autosomal Recessive and X-Linked Classification Criteria (2023). Collection method: clinical testing. Allele origin: unknown.
Comment: This variant is considered benign. This variant is a silent/synonymous amino acid change and it is not expected to impact splicing.

NM_000051.4(ATM):c.4926G>T (p.Gly1642=)

Gene: ATM (ATM serine/threonine kinase; plus strand). Cytogenetic location: 11q22.3.
Variant type: single nucleotide variant.
Coding change: c.4926G>T on transcript NM_000051.4 (MANE Select); coding-DNA position 4926, G replaced by T.
Protein change: p.Gly1642=; no amino-acid change (glycine 1642 retained).
Molecular consequence: synonymous variant.
Genome position (GRCh38, 1-based): chr11:108,297,303, G>T. VCF-style: chr11-108297303-G-T. GRCh37 (hg19) VCF-style: chr11-108168030-G-T.
Other names: c.4926G>T, p.Gly1642= (NM_001351834.2).
Identifiers: ClinVar variation 3253903 (VCV003253903.3), dbSNP rs2135861602.